The following is an entry in ClinVar:

ClinVar aggregate classification (germline): Uncertain significance (1 of 4 stars; one submission).

gnomAD v4.1: 3 of 1,613,624 alleles (0.00019%); highest among the groups gnomAD compares: Admixed American, 0.0017%; no homozygotes.

Submission:

Women's Health and Genetics/Laboratory Corporation of America, LabCorp
Classification: Uncertain significance. Last evaluated: 2024-10-17. Review status: criteria provided, single submitter. Criteria: LabCorp Variant Classification Summary - May 2015. Collection method: clinical testing. Allele origin: germline.
Comment: Variant summary: TTN c.77788T>C (p.Trp25930Arg) results in a non-conservative amino acid change located in the A-band region of the encoded protein sequence. Four of four in-silico tools predict a damaging effect of the variant on protein function. The variant allele was found at a frequency of 4e-06 in 247974 control chromosomes. The available data on variant occurrences in the general population are insufficient to allow any conclusion about variant significance. To our knowledge, no occurrence of c.77788T>C in individuals affected with Limb-Girdle Muscular Dystrophy, Type 2J and no experimental evidence demonstrating its impact on protein function have been reported. No submitters have cited clinical-significance assessments for this variant to ClinVar. Based on the evidence outlined above, the variant was classified as uncertain significance.

NM_001267550.2(TTN):c.85492T>C (p.Trp28498Arg)

Genes: TTN (titin; minus strand), TTN-AS1 (TTN antisense RNA 1; plus strand). Cytogenetic location: 2q31.2.
Variant type: single nucleotide variant.
Coding change: c.85492T>C on transcript NM_001267550.2 (MANE Select); coding-DNA position 85492, T replaced by C.
Protein change: p.Trp28498Arg; replaces tryptophan 28498 with arginine.
Molecular consequence: missense variant.
Genome position (GRCh38, 1-based): chr2:178,560,640, A>G on the plus strand (T>C on the coding strand, the complement: TTN is on the minus strand). VCF-style: chr2-178560640-A-G. GRCh37 (hg19) VCF-style: chr2-179425367-A-G.
Other names: c.80569T>C, p.Trp26857Arg (NM_001256850.1); c.58297T>C, p.Trp19433Arg (NM_003319.4); c.77788T>C, p.Trp25930Arg (NM_133378.4); c.58672T>C, p.Trp19558Arg (NM_133432.3); c.58873T>C, p.Trp19625Arg (NM_133437.4); short protein forms W19433R, W19558R, W19625R, W25930R, W26857R, W28498R.
Identifiers: ClinVar variation 3385225 (VCV003385225.1).